The following is an entry in ClinVar:

ClinVar aggregate classification (germline): Likely benign (1 of 4 stars; one submission).

Submission:

CeGaT Center for Human Genetics Tuebingen
Classification: Likely benign. Last evaluated: 2026-09-01. Review status: criteria provided, single submitter. Criteria: CeGaT Center For Human Genetics Tuebingen Variant Classification Criteria Version 2. Collection method: clinical testing. Allele origin: germline. Affected: yes. Observed: 1 variant allele.
Comment: SYNE1: PM2:Supporting, BP4, BP7

NM_182961.4(SYNE1):c.8871A>G (p.Glu2957=)

Genes: SYNE1 (spectrin repeat containing nuclear envelope protein 1; minus strand), SYNE1-AS1 (SYNE1 antisense RNA 1; plus strand). Cytogenetic location: 6q25.2.
Variant type: single nucleotide variant.
Coding change: c.8871A>G on transcript NM_182961.4 (MANE Select); coding-DNA position 8871, A replaced by G.
Protein change: p.Glu2957=; no amino-acid change (glutamic acid 2957 retained).
Molecular consequence: synonymous variant. On other transcripts: non-coding transcript variant (1).
Genome position (GRCh38, 1-based): chr6:152,381,144, T>C on the plus strand (A>G on the coding strand, the complement: SYNE1 is on the minus strand). VCF-style: chr6-152381144-T-C. GRCh37 (hg19) VCF-style: chr6-152702279-T-C.
Other names: c.8892A>G, p.Glu2964= (NM_033071.5).
Identifiers: ClinVar variation 5041492 (VCV005041492.1).